The following is an entry in ClinVar:

ClinVar aggregate classification (germline): Uncertain significance. Review status: criteria provided, multiple submitters, no conflicts (2 of 4 stars). 2 submissions from 2 submitters: Uncertain significance (2). Last evaluated 2024-12-15.

Conditions:
Tuberous sclerosis 1 (TSC1). Identifiers: Orphanet 805, MedGen C1854465, MONDO:0008612, OMIM 191100.
Hereditary cancer-predisposing syndrome. Also called: Neoplastic Syndromes, Hereditary; Tumor predisposition; Hereditary Cancer Syndrome; Hereditary neoplastic syndrome. Identifiers: Orphanet 140162, MedGen C0027672, MeSH D009386, MONDO:0015356.

Submissions (2):

Labcorp Genetics (formerly Invitae), Labcorp
Classification: Uncertain significance for Tuberous sclerosis 1. Last evaluated: 2024-12-15. Review status: criteria provided, single submitter. Criteria: Invitae Variant Classification Sherloc (09022015). Collection method: clinical testing. Allele origin: germline.
Comment: This sequence change replaces proline, which is neutral and non-polar, with threonine, which is neutral and polar, at codon 1142 of the TSC1 protein (p.Pro1142Thr). This variant is not present in population databases (gnomAD no frequency). This variant has not been reported in the literature in individuals affected with TSC1-related conditions. ClinVar contains an entry for this variant (Variation ID: 1731297). Invitae Evidence Modeling of protein sequence and biophysical properties (such as structural, functional, and spatial information, amino acid conservation, physicochemical variation, residue mobility, and thermodynamic stability) indicates that this missense variant is not expected to disrupt TSC1 protein function with a negative predictive value of 95%. In summary, the available evidence is currently insufficient to determine the role of this variant in disease. Therefore, it has been classified as a Variant of Uncertain Significance.

Ambry Genetics
Classification: Uncertain significance for Hereditary cancer-predisposing syndrome. Last evaluated: 2021-03-25. Review status: criteria provided, single submitter. Criteria: Ambry Variant Classification Scheme 2023. Collection method: clinical testing. Allele origin: germline.
Comment: The p.P1142T variant (also known as c.3424C>A), located in coding exon 21 of the TSC1 gene, results from a C to A substitution at nucleotide position 3424. The proline at codon 1142 is replaced by threonine, an amino acid with highly similar properties. This amino acid position is not well conserved in available vertebrate species. In addition, this alteration is predicted to be tolerated by in silico analysis. Since supporting evidence is limited at this time, the clinical significance of this alteration remains unclear.

NM_000368.5(TSC1):c.3424C>A (p.Pro1142Thr)

Gene: TSC1 (TSC complex subunit 1; minus strand). Cytogenetic location: 9q34.13.
Variant type: single nucleotide variant.
Coding change: c.3424C>A on transcript NM_000368.5 (MANE Select); coding-DNA position 3424, C replaced by A.
Protein change: p.Pro1142Thr; replaces proline 1142 with threonine.
Molecular consequence: missense variant.
Genome position (GRCh38, 1-based): chr9:132,896,306, G>T on the plus strand (C>A on the coding strand, the complement: TSC1 is on the minus strand). VCF-style: chr9-132896306-G-T. GRCh37 (hg19) VCF-style: chr9-135771693-G-T.
Other names: c.3421C>A, p.Pro1141Thr (NM_001162426.2, NM_001406597.1, NM_001406598.1 and 2 more transcripts); c.3271C>A, p.Pro1091Thr (NM_001162427.2, NM_001406610.1); c.3061C>A, p.Pro1021Thr (NM_001362177.2, NM_001406614.1, NM_001406615.1 and 4 more transcripts); c.3424C>A, p.Pro1142Thr (NM_001406592.1, NM_001406593.1, NM_001406594.1 and 2 more transcripts); c.3409C>A, p.Pro1137Thr (NM_001406601.1, NM_001406602.1); c.3268C>A, p.Pro1090Thr (NM_001406612.1, NM_001406611.1); c.3226C>A, p.Pro1076Thr (NM_001406613.1); c.3058C>A, p.Pro1020Thr (NM_001406620.1, NM_001406621.1, NM_001406622.1 and 1 more transcripts); and 8 more; short protein forms P1007T, P1076T, P1127T, P1137T, P1141T, P825T, P1091T, P791T.
Identifiers: ClinVar variation 1731297 (VCV001731297.4), dbSNP rs1060503227, ClinGen allele CA375366403.